The following is an entry in ClinVar:

NM_001276345.2(TNNT2):c.851+5G>C

Gene: TNNT2 (troponin T2, cardiac type; minus strand). Cytogenetic location: 1q32.1.
Variant type: single nucleotide variant.
Coding change: c.851+5G>C on transcript NM_001276345.2 (MANE Select); 5 bases into the intron after coding-DNA position 851, G replaced by C.
Molecular consequence: intron variant.
Genome position (GRCh38, 1-based): chr1:201,359,618, C>G on the plus strand (G>C on the coding strand, the complement: TNNT2 is on the minus strand). VCF-style: chr1-201359618-C-G. GRCh37 (hg19) VCF-style: chr1-201328746-C-G.
Other names: c.803+5G>C (NM_001001432.3); c.812+5G>C (NM_001001431.3); c.821+5G>C (NM_001001430.3, NM_001276347.2); c.722+5G>C (NM_001276346.2); c.842+5G>C (NM_000364.4).
Identifiers: ClinVar variation 488163 (VCV000488163.3), dbSNP rs193922620, ClinGen allele CA528090151.

ClinVar aggregate classification (germline): Uncertain significance. Review status: criteria provided, multiple submitters, no conflicts (2 of 4 stars). 4 submissions from 2 submitters: Uncertain significance (4). Last evaluated 2024-08-31.

Conditions:
Hypertrophic cardiomyopathy 2. Also called: TNNT2-Related Familial Hypertrophic Cardiomyopathy. Identifiers: MedGen C1861864, MONDO:0007266, OMIM 115195.
Dilated cardiomyopathy 1D. Identifiers: Orphanet 154, Orphanet 54260, MedGen C1832243, MONDO:0011095, OMIM 601494.
Cardiomyopathy, familial restrictive, 3. Identifiers: Orphanet 75249, MedGen C2676271, MONDO:0012900, OMIM 612422.

Submissions (4):

Labcorp Genetics (formerly Invitae), Labcorp
Classification: Uncertain significance for Cardiomyopathy, familial restrictive, 3; Hypertrophic cardiomyopathy 2; Dilated cardiomyopathy 1D. Last evaluated: 2024-08-31. Review status: criteria provided, single submitter. Criteria: Invitae Variant Classification Sherloc (09022015). Collection method: clinical testing. Allele origin: germline.
Comment: This sequence change falls in intron 15 of the TNNT2 gene. It does not directly change the encoded amino acid sequence of the TNNT2 protein. It affects a nucleotide within the consensus splice site. This variant is not present in population databases (gnomAD no frequency). This variant has not been reported in the literature in individuals affected with TNNT2-related conditions. ClinVar contains an entry for this variant (Variation ID: 488163). Variants that disrupt the consensus splice site are a relatively common cause of aberrant splicing (PMID: 17576681, 9536098). Algorithms developed to predict the effect of sequence changes on RNA splicing suggest that this variant may disrupt the consensus splice site. In summary, the available evidence is currently insufficient to determine the role of this variant in disease. Therefore, it has been classified as a Variant of Uncertain Significance.

Phosphorus, Inc.
Classification: Uncertain significance for Dilated cardiomyopathy 1D. Last evaluated: 2017-08-01. Review status: criteria provided, single submitter. Criteria: ACMG Guidelines, 2015. Collection method: clinical testing. Allele origin: germline. Observed: 2 variant alleles.

Phosphorus, Inc.
Classification: Uncertain significance for Hypertrophic cardiomyopathy 2. Last evaluated: 2017-08-01. Review status: criteria provided, single submitter. Criteria: ACMG Guidelines, 2015. Collection method: clinical testing. Allele origin: germline. Observed: 1 variant allele.

Phosphorus, Inc.
Classification: Uncertain significance for Cardiomyopathy, familial restrictive, 3. Last evaluated: 2017-08-01. Review status: criteria provided, single submitter. Criteria: ACMG Guidelines, 2015. Collection method: clinical testing. Allele origin: germline. Observed: 1 variant allele.

Literature cited by the submitters: PubMed 17576681 (cited by Labcorp Genetics (formerly Invitae), Labcorp); PubMed 9536098 (cited by Labcorp Genetics (formerly Invitae), Labcorp).